The following is an entry in ClinVar:

NM_014049.5(ACAD9):c.1568T>C (p.Ile523Thr)

Genes: ACAD9 (acyl-CoA dehydrogenase family member 9; plus strand), CFAP92 (cilia and flagella associated protein 92 (putative); minus strand). Cytogenetic location: 3q21.3.
Variant type: single nucleotide variant.
Coding change: c.1568T>C on transcript NM_014049.5 (MANE Select); coding-DNA position 1568, T replaced by C.
Protein change: p.Ile523Thr; replaces isoleucine 523 with threonine.
Molecular consequence: missense variant. On other transcripts: non-coding transcript variant (1), 3 prime UTR variant (3).
Genome position (GRCh38, 1-based): chr3:128,910,025, T>C. VCF-style: chr3-128910025-T-C. GRCh37 (hg19) VCF-style: chr3-128628868-T-C.
Other names: c.1199T>C, p.Ile400Thr (NM_001410805.1); c.*274A>G (NM_001348520.2, NM_001348521.2, NM_001394090.1); short protein forms I400T, I523T.
Identifiers: ClinVar variation 2199685 (VCV002199685.2), dbSNP rs747463129, ClinGen allele CA2601612.

ClinVar aggregate classification (germline): Uncertain significance (1 of 4 stars; one submission).

Allele frequency attached by ClinVar (database versions not stated): ExAC 0.00001; gnomAD 0.00001; gnomAD exomes 0.00001; TOPMed 0.00002.
gnomAD v4.1: 22 of 1,613,418 alleles (0.0014%); highest among the groups gnomAD compares: Non-Finnish European, 0.0019%; no homozygotes.

Submission:

Labcorp Genetics (formerly Invitae), Labcorp
Classification: Uncertain significance. Last evaluated: 2024-10-29. Review status: criteria provided, single submitter. Criteria: Invitae Variant Classification Sherloc (09022015). Collection method: clinical testing. Allele origin: germline.
Comment: This sequence change replaces isoleucine, which is neutral and non-polar, with threonine, which is neutral and polar, at codon 523 of the ACAD9 protein (p.Ile523Thr). This variant is present in population databases (rs747463129, gnomAD 0.002%). This variant has not been reported in the literature in individuals affected with ACAD9-related conditions. ClinVar contains an entry for this variant (Variation ID: 2199685). Invitae Evidence Modeling of protein sequence and biophysical properties (such as structural, functional, and spatial information, amino acid conservation, physicochemical variation, residue mobility, and thermodynamic stability) indicates that this missense variant is expected to disrupt ACAD9 protein function with a positive predictive value of 80%. In summary, the available evidence is currently insufficient to determine the role of this variant in disease. Therefore, it has been classified as a Variant of Uncertain Significance.